The following is an entry in ClinVar:

NM_004315.6(ASAH1):c.126+5G>T

Gene: ASAH1 (N-acylsphingosine amidohydrolase 1; minus strand). Cytogenetic location: 8p22.
Variant type: single nucleotide variant.
Coding change: c.126+5G>T on transcript NM_004315.6; 5 bases into the intron after coding-DNA position 126, G replaced by T.
Molecular consequence: intron variant.
Genome position (GRCh38, 1-based): chr8:18,084,671, C>A on the plus strand (G>T on the coding strand, the complement: ASAH1 is on the minus strand). VCF-style: chr8-18084671-C-A. GRCh37 (hg19) VCF-style: chr8-17942180-C-A.
Other names: c.126+5G>T (NM_001127505.3).
Identifiers: ClinVar variation 2276064 (VCV002276064.2), dbSNP rs1171035271, ClinGen allele CA580095462.

ClinVar aggregate classification (germline): Uncertain significance (1 of 4 stars; one submission).

Conditions:
Inborn genetic diseases. Identifiers: MedGen C0950123, MeSH D030342.

Allele frequency attached by ClinVar (database versions not stated): gnomAD 0.00001; TOPMed 0.00001.
gnomAD v4.1: 4 of 1,613,268 alleles (0.00025%); highest among the groups gnomAD compares: African/African-American, 0.0053%; no homozygotes.

Submission:

Ambry Genetics
Classification: Uncertain significance for Inborn genetic diseases. Last evaluated: 2022-02-15. Review status: criteria provided, single submitter. Criteria: Ambry Variant Classification Scheme 2023. Collection method: clinical testing. Allele origin: germline.
Comment: The c.126+5G>T intronic alteration consists of a G to T substitution 5 nucleotides after exon 1 of the ASAH1 gene. Based on insufficient or conflicting evidence, the clinical significance of this alteration remains unclear.